The following is an entry in ClinVar:

NM_000834.5(GRIN2B):c.514G>A (p.Val172Ile)

Gene: GRIN2B (glutamate ionotropic receptor NMDA type subunit 2B; minus strand). Cytogenetic location: 12p13.1.
Variant type: single nucleotide variant.
Coding change: c.514G>A on transcript NM_000834.5 (MANE Select); coding-DNA position 514, G replaced by A.
Protein change: p.Val172Ile; replaces valine 172 with isoleucine.
Molecular consequence: missense variant.
Genome position (GRCh38, 1-based): chr12:13,753,813, C>T on the plus strand (G>A on the coding strand, the complement: GRIN2B is on the minus strand). VCF-style: chr12-13753813-C-T. GRCh37 (hg19) VCF-style: chr12-13906747-C-T.
Other names: short protein forms V172I.
Identifiers: ClinVar variation 411111 (VCV000411111.34), dbSNP rs201377003, ClinGen allele CA6461390.

ClinVar aggregate classification (germline): Likely benign. Review status: criteria provided, multiple submitters, no conflicts (2 of 4 stars). 3 submissions from 3 submitters: Likely benign (3). Last evaluated 2025-05-30.

Conditions:
Intellectual developmental disorder, autosomal dominant 6, with or without seizures. Also called: GRIN2B-related developmental delay, intellectual disability and autism spectrum disorder; Intellectual disability, autosomal dominant 6. Identifiers: Orphanet 589547, MedGen C3151411, MONDO:0013509, OMIM 613970.
Developmental and epileptic encephalopathy, 27 (DEE27). Also called: Epileptic encephalopathy, early infantile, 27; GRIN2B-Related Neurodevelopmental Disorder. Identifiers: Orphanet 3451, MedGen C4015316, MONDO:0014505, OMIM 616139.

Allele frequency attached by ClinVar (database versions not stated): gnomAD 0.00004 and 0.00005; ExAC 0.00001; TOPMed 0.00005; gnomAD exomes 0.00003.
gnomAD v4.1: 44 of 1,613,050 alleles (0.0027%); highest among the groups gnomAD compares: Middle Eastern, 0.033%; no homozygotes.

Submissions (3):

Labcorp Genetics (formerly Invitae), Labcorp
Classification: Likely benign for Developmental and epileptic encephalopathy, 27; Intellectual developmental disorder, autosomal dominant 6, with or without seizures. Last evaluated: 2025-05-30. Review status: criteria provided, single submitter. Criteria: Invitae Variant Classification Sherloc (09022015). Collection method: clinical testing. Allele origin: germline.

CeGaT Center for Human Genetics Tuebingen
Classification: Likely benign. Last evaluated: 2024-05-01. Review status: criteria provided, single submitter. Criteria: CeGaT Center For Human Genetics Tuebingen Variant Classification Criteria Version 2. Collection method: clinical testing. Allele origin: germline. Affected: yes. Observed: 1 variant allele.
Comment: GRIN2B: PP2, PP3, BS2

GeneDx
Classification: Likely benign. Last evaluated: 2019-03-04. Review status: criteria provided, single submitter. Criteria: GeneDx Variant Classification Process June 2021. Collection method: clinical testing. Allele origin: germline. Affected: yes.